The following is an entry in ClinVar:

ClinVar aggregate classification (germline): Uncertain significance (1 of 4 stars; one submission).

Conditions:
Hereditary sensory and autonomic neuropathy type 6. Also called: Neuropathy, hereditary sensory and autonomic, type VI; HSAN VI. Identifiers: Orphanet 314381, MedGen C3539003, MONDO:0013839, OMIM 614653.
Epidermolysis bullosa simplex 3, localized or generalized intermediate, with BP230 deficiency (EBS3). Also called: Epidermolysis bullosa simplex due to BP230 deficiency; Epidermolysis bullosa simplex, autosomal recessive 2. Identifiers: Orphanet 412181, MedGen C3809470, MONDO:0014180, OMIM 615425.

gnomAD v4.1: 2 of 1,613,294 alleles (0.00012%); highest among the groups gnomAD compares: Non-Finnish European, 0.000085%; no homozygotes.

Submission:

Labcorp Genetics (formerly Invitae), Labcorp
Classification: Uncertain significance for Epidermolysis bullosa simplex 3, localized or generalized intermediate, with BP230 deficiency; Hereditary sensory and autonomic neuropathy type 6. Last evaluated: 2021-04-14. Review status: criteria provided, single submitter. Criteria: Invitae Variant Classification Sherloc (09022015). Collection method: clinical testing. Allele origin: germline.
Comment: Algorithms developed to predict the effect of missense changes on protein structure and function (SIFT, PolyPhen-2, Align-GVGD) all suggest that this variant is likely to be disruptive, but these predictions have not been confirmed by published functional studies and their clinical significance is uncertain. In summary, the available evidence is currently insufficient to determine the role of this variant in disease. Therefore, it has been classified as a Variant of Uncertain Significance. This sequence change replaces alanine with valine at codon 539 of the DST protein (p.Ala539Val). The alanine residue is highly conserved and there is a small physicochemical difference between alanine and valine. This variant has not been reported in the literature in individuals with DST-related conditions. This variant is not present in population databases (ExAC no frequency).

NM_001374736.1(DST):c.3227C>T (p.Ala1076Val)

Gene: DST (dystonin; minus strand). Cytogenetic location: 6p12.1.
Variant type: single nucleotide variant.
Coding change: c.3227C>T on transcript NM_001374736.1 (MANE Select); coding-DNA position 3227, C replaced by T.
Protein change: p.Ala1076Val; replaces alanine 1076 with valine.
Molecular consequence: missense variant.
Genome position (GRCh38, 1-based): chr6:56,634,913, G>A on the plus strand (C>T on the coding strand, the complement: DST is on the minus strand). VCF-style: chr6-56634913-G-A. GRCh37 (hg19) VCF-style: chr6-56499711-G-A.
Other names: c.3128C>T, p.Ala1043Val (NM_001144769.5); c.2714C>T, p.Ala905Val (NM_001144770.2); c.3227C>T, p.Ala1076Val (NM_001374722.1); c.2594C>T, p.Ala865Val (NM_001374729.1, NM_001374730.1, NM_001386100.1 and 1 more transcripts); c.3254C>T, p.Ala1085Val (NM_001374734.1); c.1616C>T, p.Ala539Val (NM_001723.7, NM_015548.5); short protein forms A1043V, A1085V, A905V, A865V, A1076V, A539V.
Identifiers: ClinVar variation 1482102 (VCV001482102.8), dbSNP rs2152766073, ClinGen allele CA364576426.